The following is an entry in ClinVar:

ClinVar aggregate classification (germline): Pathogenic. Review status: criteria provided, multiple submitters, no conflicts (2 of 4 stars). 2 submissions from 2 submitters: Pathogenic (2). Last evaluated 2025-03-17.

Conditions:
Stickler syndrome type 1 (STL1). Also called: STICKLER SYNDROME, MEMBRANOUS VITREOUS TYPE; STICKLER SYNDROME, VITREOUS TYPE 1; ARTHROOPHTHALMOPATHY, HEREDITARY PROGRESSIVE; COL2A1-Related Stickler Syndrome. Identifiers: Orphanet 828, Orphanet 90653, MedGen C2020284, MONDO:0007160, OMIM 108300.

Submissions (2):

Labcorp Genetics (formerly Invitae), Labcorp
Classification: Pathogenic. Last evaluated: 2025-03-17. Review status: criteria provided, single submitter. Criteria: Invitae Variant Classification Sherloc (09022015). Collection method: clinical testing. Allele origin: germline.
Comment: This sequence change affects a donor splice site in intron 32 of the COL2A1 gene. It is expected to disrupt RNA splicing. Variants that disrupt the donor or acceptor splice site typically lead to a loss of protein function (PMID: 16199547), and loss-of-function variants in COL2A1 are known to be pathogenic (PMID: 20179744). This variant is not present in population databases (gnomAD no frequency). Disruption of this splice site has been observed in individuals with Stickler syndrome (PMID: 20179744, 31625567). ClinVar contains an entry for this variant (Variation ID: 1072940). Algorithms developed to predict the effect of sequence changes on RNA splicing suggest that this variant may disrupt the consensus splice site. For these reasons, this variant has been classified as Pathogenic.

Institute of Human Genetics, University of Leipzig Medical Center
Classification: Pathogenic for Stickler syndrome type 1. Last evaluated: 2024-01-17. Review status: criteria provided, single submitter. Criteria: ACMG Guidelines, 2015. Collection method: clinical testing. Allele origin: de novo. Inheritance: Autosomal dominant inheritance. Affected: yes.
Comment: Criteria applied: PVS1,PS2,PS1_SUP,PS4_SUP,PM2_SUP,PP4

Literature cited by the submitters: PubMed 16199547 (cited by Labcorp Genetics (formerly Invitae), Labcorp); PubMed 20179744 (cited by Labcorp Genetics (formerly Invitae), Labcorp); PubMed 31625567 (cited by Labcorp Genetics (formerly Invitae), Labcorp).

NM_001844.5(COL2A1):c.2094+1G>C

Gene: COL2A1 (collagen type II alpha 1 chain; minus strand). Cytogenetic location: 12q13.11.
Variant type: single nucleotide variant.
Coding change: c.2094+1G>C on transcript NM_001844.5 (MANE Select); the canonical splice donor site of the intron after coding-DNA position 2094, G replaced by C.
Molecular consequence: splice donor variant.
Genome position (GRCh38, 1-based): chr12:47,983,092, C>G on the plus strand (G>C on the coding strand, the complement: COL2A1 is on the minus strand). VCF-style: chr12-47983092-C-G. GRCh37 (hg19) VCF-style: chr12-48376875-C-G.
Other names: c.1887+1G>C (NM_033150.3).
Identifiers: ClinVar variation 1072940 (VCV001072940.10), dbSNP rs2136552560, ClinGen allele CA384547381.